The following is an entry in ClinVar:

ClinVar aggregate classification (germline): Likely benign. Review status: criteria provided, multiple submitters, no conflicts (2 of 4 stars). 2 submissions from 2 submitters: Likely benign (2). Last evaluated 2025-09-18.

Submissions (2):

Labcorp Genetics (formerly Invitae), Labcorp
Classification: Likely benign. Last evaluated: 2025-09-18. Review status: criteria provided, single submitter. Criteria: Invitae Variant Classification Sherloc (09022015). Collection method: clinical testing. Allele origin: germline.

Women's Health and Genetics/Laboratory Corporation of America, LabCorp
Classification: Likely benign. Last evaluated: 2024-12-17. Review status: criteria provided, single submitter. Criteria: LabCorp Variant Classification Summary - May 2015. Collection method: clinical testing. Allele origin: germline.
Comment: Variant summary: SBF1 c.3826+17delG alters a non-conserved nucleotide located at a position not widely known to affect splicing. Consensus agreement among computation tools predict no significant impact on normal splicing. However, these predictions have yet to be confirmed by functional studies. The variant allele was found at a frequency of 0.0002 in 239098 control chromosomes, predominantly at a frequency of 0.00069 within the Latino subpopulation in the gnomAD database. This frequency is not significantly higher than estimated for a pathogenic variant in SBF1 causing Charcot-Marie-Tooth disease type 4B3 (0.0002 vs 0.0011), allowing no conclusion about variant significance. To our knowledge, no occurrence of c.3826+17delG in individuals affected with Charcot-Marie-Tooth disease type 4B3 and no experimental evidence demonstrating its impact on protein function have been reported. ClinVar contains an entry for this variant (Variation ID: 1629837). Based on the evidence outlined above, the variant was classified as likely benign.

NM_002972.4(SBF1):c.3826+17del

Gene: SBF1 (SET binding factor 1; minus strand). Cytogenetic location: 22q13.33.
Variant type: Deletion.
Coding change: c.3826+17del on transcript NM_002972.4 (MANE Select); 17 bases into the intron after coding-DNA position 3826, one base deleted (G; older notation c.3826+17delG).
Molecular consequence: intron variant.
Genome position (GRCh38, 1-based): chr22:50,459,238, C deleted on the plus strand (G on the coding strand, the reverse complement: SBF1 is on the minus strand); the first of 3 consecutive C bases (chr22:50,459,238-50,459,240); deleting any one gives the same sequence. VCF-style (leftmost placement, unchanged base first): chr22-50459237-GC-G. GRCh37 (hg19) VCF-style: chr22-50897666-GC-G.
Other names: c.3829+17del (NM_001365819.1); c.3826+17delG (NM_002972.4).
Identifiers: ClinVar variation 1629837 (VCV001629837.9), dbSNP rs758414858, ClinGen allele CA10316546.
Genomic context (GRCh38, chr22:50,459,237, plus strand): 5'-CCTGCCTGCCAAACCATAAATGCCACCACGGCCCCCCAAAGTGCCCCTGCCCCACCGTCT[GC>G]CCACAAGCACCCTCACCGTGACTGCCCATGTGGGCTGAGGAGAAGCCGCTAAGCGTGTTG-3'